The following is an entry in ClinVar:

ClinVar aggregate classification (germline): Conflicting classifications of pathogenicity. Review status: criteria provided, conflicting classifications (1 of 4 stars). 7 submissions from 7 submitters: Uncertain significance (3); Benign (2); Likely benign (1). 1 of the submissions does not count toward it. Last evaluated 2026-03-16.

Conditions:
CASR-related disorder. Also called: CASR-related condition.
Epilepsy, idiopathic generalized, susceptibility to, 8. Identifiers: MedGen C2752062, MONDO:0013032, OMIM 612899.
Autosomal dominant hypocalcemia 1 (HYPOC1). Also called: HYPOCALCEMIA, FAMILIAL. Identifiers: MedGen C3715128, MONDO:0011013, OMIM 601198.
Familial hypocalciuric hypercalcemia 1. Also called: Hypercalcemia, familial benign type 1. Identifiers: Orphanet 405, Orphanet 93372, MedGen C0342637, MONDO:0007791, OMIM 145980.
Neonatal severe primary hyperparathyroidism. Identifiers: Orphanet 417, MedGen C1832615, MONDO:0009397, OMIM 239200.
Familial hypocalciuric hypercalcemia (FHH). Also called: Familial benign hypercalcemia. Identifiers: Orphanet 405, MedGen C1809471, MONDO:0018458.
Nephrolithiasis/nephrocalcinosis. Identifiers: MedGen CN580796.

Allele frequency attached by ClinVar (database versions not stated): gnomAD 0.00001; 1000 Genomes Project 0.00040; 1000 Genomes Project 30x 0.00047.
gnomAD v4.1: 119 of 1,614,100 alleles (0.0074%); highest among the groups gnomAD compares: South Asian, 0.13%; 2 homozygotes.

Submissions (7):

Women's Health and Genetics/Laboratory Corporation of America, LabCorp
Classification: Likely benign. Last evaluated: 2026-03-16. Review status: criteria provided, single submitter. Criteria: LabCorp Variant Classification Summary - May 2015. Collection method: clinical testing. Allele origin: germline.

Labcorp Genetics (formerly Invitae), Labcorp
Classification: Benign for Familial hypocalciuric hypercalcemia; Autosomal dominant hypocalcemia 1. Last evaluated: 2025-12-10. Review status: criteria provided, single submitter. Criteria: Invitae Variant Classification Sherloc (09022015). Collection method: clinical testing. Allele origin: germline.

Blueprint Genetics
Classification: Uncertain significance. Last evaluated: 2024-05-31. Review status: criteria provided, single submitter. Criteria: ACMG Guidelines, 2015. Collection method: clinical testing. Allele origin: germline.

Fulgent Genetics
Classification: Uncertain significance for Familial hypocalciuric hypercalcemia 1; Neonatal severe primary hyperparathyroidism; Autosomal dominant hypocalcemia 1; Epilepsy, idiopathic generalized, susceptibility to, 8. Last evaluated: 2024-01-06. Review status: criteria provided, single submitter. Criteria: ACMG Guidelines, 2015. Collection method: clinical testing. Allele origin: germline.

Neuberg Centre For Genomic Medicine, NCGM
Classification: Uncertain significance for Familial hypocalciuric hypercalcemia 1. Last evaluated: 2023-02-14. Review status: criteria provided, single submitter. Criteria: ACMG Guidelines, 2015. Collection method: clinical testing. Allele origin: germline. Inheritance: Autosomal dominant inheritance. Affected: yes.
Comment: The missense variant c.1297G>C (p.Asp433His) in the CASR gene has been reported previously in heterozygous state in individuals affected with Tropical Calcific Pancreatitis (TCP). Molecular dynamics simulation, along with essential dynamics analysis indicates that the mutation D433H has a significant impact on protein structure (Shrivastava et al., 2022; Murugaian et al., 2008). This variant is reported with the allele frequency (0.02%) in the gnomAD and novel in 1000 genome database. It is submitted to ClinVar as Uncertain significance. The amino acid Aspartic Acid at position 433 is changed to a Histidine changing protein sequence and it might alter its composition and physico-chemical properties. The variant is predicted as damaging by SIFT. The amino acid change p.Asp433His in CASR is predicted as conserved by GERP++ and PhyloP across 100 vertebrates. Although this variant has a higher MAF, based on molecular dynamics and clinvar reports, this variant is classified as Variant of uncertain significance. Classification is likely to change as more literature becomes available.

Ambry Genetics
Classification: Benign for Nephrolithiasis/nephrocalcinosis. Last evaluated: 2023-02-02. Review status: criteria provided, single submitter. Criteria: Ambry Variant Classification Scheme 2023. Collection method: clinical testing. Allele origin: germline.

PreventionGenetics, part of Exact Sciences
Classification: Likely benign for CASR-related condition. Last evaluated: 2022-03-07. Review status: no assertion criteria provided. Collection method: clinical testing. Allele origin: germline. Not counted in ClinVar's aggregate classification.
Comment: This variant is classified as likely benign based on ACMG/AMP sequence variant interpretation guidelines (Richards et al. 2015 PMID: 25741868, with internal and published modifications).

Literature cited by the submitters: PubMed 18938753 (cited by Ambry Genetics).

NM_000388.4(CASR):c.1297G>C (p.Asp433His)

Gene: CASR (calcium sensing receptor; plus strand). Cytogenetic location: 3q21.1.
Variant type: single nucleotide variant.
Coding change: c.1297G>C on transcript NM_000388.4 (MANE Select); coding-DNA position 1297, G replaced by C.
Protein change: p.Asp433His; replaces aspartic acid 433 with histidine.
Molecular consequence: missense variant.
Genome position (GRCh38, 1-based): chr3:122,262,332, G>C. VCF-style: chr3-122262332-G-C. GRCh37 (hg19) VCF-style: chr3-121981179-G-C.
Other names: c.1297G>C, p.Asp433His (NM_001178065.2); c.1297G>C (NM_001178065.1); short protein forms D433H.
Identifiers: ClinVar variation 463897 (VCV000463897.20), dbSNP rs199511990, ClinGen allele CA2569620.